The following is an entry in ClinVar:

NM_001205293.3(CACNA1E):c.3131G>A (p.Arg1044Gln)

Gene: CACNA1E (calcium voltage-gated channel subunit alpha1 E; plus strand). Cytogenetic location: 1q25.3.
Variant type: single nucleotide variant.
Coding change: c.3131G>A on transcript NM_001205293.3 (MANE Select); coding-DNA position 3131, G replaced by A.
Protein change: p.Arg1044Gln; replaces arginine 1044 with glutamine.
Molecular consequence: missense variant.
Genome position (GRCh38, 1-based): chr1:181,733,619, G>A. VCF-style: chr1-181733619-G-A. GRCh37 (hg19) VCF-style: chr1-181702755-G-A.
Other names: c.3131G>A, p.Arg1044Gln (NM_000721.4); c.3074G>A, p.Arg1025Gln (NM_001205294.2); short protein forms R1044Q, R1025Q.
Identifiers: ClinVar variation 4692510 (VCV004692510.1).

ClinVar aggregate classification (germline): Uncertain significance (1 of 4 stars; one submission).

gnomAD v4.1: 25 of 1,612,660 alleles (0.0016%); highest among the groups gnomAD compares: Non-Finnish European, 0.002%; no homozygotes.

Submission:

Labcorp Genetics (formerly Invitae), Labcorp
Classification: Uncertain significance. Last evaluated: 2025-11-13. Review status: criteria provided, single submitter. Criteria: Invitae Variant Classification Sherloc (09022015). Collection method: clinical testing. Allele origin: germline.
Comment: This sequence change replaces arginine, which is basic and polar, with glutamine, which is neutral and polar, at codon 1044 of the CACNA1E protein (p.Arg1044Gln). The frequency data for this variant in the population databases is considered unreliable, as metrics indicate poor data quality at this position in the gnomAD database. This variant has not been reported in the literature in individuals affected with CACNA1E-related conditions. Invitae Evidence Modeling of protein sequence and biophysical properties (such as structural, functional, and spatial information, amino acid conservation, physicochemical variation, residue mobility, and thermodynamic stability) has been performed for this missense variant. However, the output from this modeling did not meet the statistical confidence thresholds required to predict the impact of this variant on CACNA1E protein function. In summary, the available evidence is currently insufficient to determine the role of this variant in disease. Therefore, it has been classified as a Variant of Uncertain Significance.